The following is an entry in ClinVar:

NM_003597.5(KLF11):c.353C>T (p.Ser118Leu)

Gene: KLF11 (KLF transcription factor 11; plus strand). Cytogenetic location: 2p25.1.
Variant type: single nucleotide variant.
Coding change: c.353C>T on transcript NM_003597.5 (MANE Select); coding-DNA position 353, C replaced by T.
Protein change: p.Ser118Leu; replaces serine 118 with leucine.
Molecular consequence: missense variant.
Genome position (GRCh38, 1-based): chr2:10,047,690, C>T. VCF-style: chr2-10047690-C-T. GRCh37 (hg19) VCF-style: chr2-10187817-C-T.
Other names: c.302C>T, p.Ser101Leu (NM_001177716.2, NM_001177718.2); short protein forms S101L, S118L.
Identifiers: ClinVar variation 2152711 (VCV002152711.4), dbSNP rs748350805, ClinGen allele CA1525495.

ClinVar aggregate classification (germline): Uncertain significance (1 of 4 stars; one submission).

gnomAD v4.1: 56 of 1,613,234 alleles (0.0035%); highest among the groups gnomAD compares: Non-Finnish European, 0.004%; 1 homozygote.

Submission:

Labcorp Genetics (formerly Invitae), Labcorp
Classification: Uncertain significance. Last evaluated: 2023-01-25. Review status: criteria provided, single submitter. Criteria: Invitae Variant Classification Sherloc (09022015). Collection method: clinical testing. Allele origin: germline.
Comment: This sequence change replaces serine, which is neutral and polar, with leucine, which is neutral and non-polar, at codon 118 of the KLF11 protein (p.Ser118Leu). In summary, the available evidence is currently insufficient to determine the role of this variant in disease. Therefore, it has been classified as a Variant of Uncertain Significance. Algorithms developed to predict the effect of missense changes on protein structure and function output the following: SIFT: "Tolerated"; PolyPhen-2: "Benign"; Align-GVGD: "Class C0". The leucine amino acid residue is found in multiple mammalian species, which suggests that this missense change does not adversely affect protein function. This variant has not been reported in the literature in individuals affected with KLF11-related conditions. This variant is present in population databases (rs748350805, gnomAD 0.008%).